The following is an entry in ClinVar:

NM_005502.4(ABCA1):c.254C>T (p.Pro85Leu)

Gene: ABCA1 (ATP binding cassette subfamily A member 1; minus strand). Cytogenetic location: 9q31.1.
Variant type: single nucleotide variant.
Coding change: c.254C>T on transcript NM_005502.4 (MANE Select); coding-DNA position 254, C replaced by T.
Protein change: p.Pro85Leu; replaces proline 85 with leucine.
Molecular consequence: missense variant.
Genome position (GRCh38, 1-based): chr9:104,884,475, G>A on the plus strand (C>T on the coding strand, the complement: ABCA1 is on the minus strand). VCF-style: chr9-104884475-G-A. GRCh37 (hg19) VCF-style: chr9-107646756-G-A.
Other names: short protein forms P85L.
Identifiers: ClinVar variation 364464 (VCV000364464.32), dbSNP rs145183203, ClinGen allele CA5169461.

ClinVar aggregate classification (germline): Conflicting classifications of pathogenicity. Review status: criteria provided, conflicting classifications (1 of 4 stars). 11 submissions from 10 submitters: Uncertain significance (2); Likely benign (6). 3 of the submissions do not count toward it. Last evaluated 2026-01-05.

Conditions:
Tangier disease (TGD). Also called: HIGH DENSITY LIPOPROTEIN DEFICIENCY, TANGIER TYPE; HIGH DENSITY LIPOPROTEIN DEFICIENCY, TYPE 1; Cholesterol thesaurismosis. Identifiers: Orphanet 31150, MedGen C0039292, MONDO:0008783, OMIM 205400.
ABCA1-related disorder. Also called: ABCA1-related disorders; ABCA1-related condition. Identifiers: MedGen CN239173.
Cardiovascular phenotype. Identifiers: MedGen CN230736.
Hypoalphalipoproteinemia, primary, 1. Identifiers: Orphanet 425, MedGen C5231558, MONDO:0011393, OMIM 604091.

Allele frequency attached by ClinVar (database versions not stated): ESP Exome Variant Server 0.00069; TOPMed 0.00073; 1000 Genomes Project 30x 0.00031; 1000 Genomes Project 0.00040; gnomAD 0.00121 and 0.00123; ExAC 0.00126; gnomAD exomes 0.00143.
gnomAD v4.1: 2,156 of 1,614,202 alleles (0.13%); highest among the groups gnomAD compares: South Asian, 0.16%; 3 homozygotes.

Submissions (11):

Labcorp Genetics (formerly Invitae), Labcorp
Classification: Likely benign. Last evaluated: 2026-01-05. Review status: criteria provided, single submitter. Criteria: Invitae Variant Classification Sherloc (09022015). Collection method: clinical testing. Allele origin: germline.

Mayo Clinic Laboratories, Mayo Clinic
Classification: Uncertain significance. Last evaluated: 2025-05-13. Review status: criteria provided, single submitter. Criteria: ACMG Guidelines, 2015. Collection method: clinical testing. Allele origin: germline. Observed: 3 variant alleles.
Comment: BS1, BS3, PP3_moderate

Blueprint Genetics
Classification: Likely benign. Last evaluated: 2024-11-25. Review status: criteria provided, single submitter. Criteria: ACMG Guidelines, 2015. Collection method: clinical testing. Allele origin: germline.

Ambry Genetics
Classification: Likely benign for Cardiovascular phenotype. Last evaluated: 2024-09-12. Review status: criteria provided, single submitter. Criteria: Ambry Variant Classification Scheme 2023. Collection method: clinical testing. Allele origin: germline.

Women's Health and Genetics/Laboratory Corporation of America, LabCorp
Classification: Likely benign. Last evaluated: 2022-08-01. Review status: criteria provided, single submitter. Criteria: LabCorp Variant Classification Summary - May 2015. Collection method: clinical testing. Allele origin: germline.
Comment: Variant summary: ABCA1 c.254C>T (p.Pro85Leu) results in a non-conservative amino acid change in the encoded protein sequence. Three of five in-silico tools predict a damaging effect of the variant on protein function. The variant allele was found at a frequency of 0.0014 in 258052 control chromosomes in the gnomAD database, including 1 homozygotes. The observed variant frequency is approximately 112.84 fold of the estimated maximal expected allele frequency for a pathogenic variant in ABCA1 causing Early Onset Coronary Artery Disease phenotype (1.3e-05), strongly suggesting that the variant is benign. The variant has been reported in the literature in the heterozygous state only (or unstated), in individuals with low HDL-C, FH, MI and hypoalphalipoproteinemia (Colin_2014, Beaudoin_2012, Luirink_2019, Geller_2018, Dong_2022), and in some tested individuals was associated with lower HDL-C levels (Cohen_2004), without strong evidence for causality. The variant was found in at least 1 pt with critically low HDL and personal history of CAD, however 4 additional family members who carried this variant heterozygously presented only with hypoalphalipoproteinemia but were cardiologically normal (Hong et al.,2002). In at least 1 large scale genome sequencing project, the variant was not associated with HDL-C levels (Morrison_2013) and was reported as 'polymorphism' by Kiss et. al, 2007. These reports do not provide unequivocal conclusions about association of the variant with Early Onset Coronary Artery Disease. In addition, cholesterol efflux was found to be higher in cells from an individual with the variant compared to normal controls, while other variants associated with lower HDL-C levels had cholesterol efflux levels less than two standard deviations below the mean in subjects with normal HDL-C (Cohen_2004). Four clinical diagnostic laboratories have submitted clinical-significance assessments for this variant to ClinVar after 2014 without evidence for independent evaluation. Multiple laboratories reported the variant with conflicting assessments. Two submitters have classified the variant as likely benign, while two classified as VUS and one classified as pathogenic. Based on the evidence outlined above, the variant was classified as likely benign.

Revvity Omics, Revvity
Classification: Uncertain significance. Last evaluated: 2021-12-24. Review status: criteria provided, single submitter. Criteria: ACMG Guidelines, 2015. Collection method: clinical testing. Allele origin: germline.

Illumina Laboratory Services, Illumina
Classification: Likely benign for Tangier disease. Last evaluated: 2017-04-27. Review status: criteria provided, single submitter. Criteria: ICSL Variant Classification Criteria 13 December 2019. Collection method: clinical testing. Allele origin: germline.
Comment: This variant was observed as part of a predisposition screen in an ostensibly healthy population. A literature search was performed for the gene, cDNA change, and amino acid change (where applicable). No publications were found based on this search. Allele frequency data from public databases allowed determination this variant is unlikely to cause disease. Therefore, this variant is classified as likely benign.

Illumina Laboratory Services, Illumina
Classification: Likely benign for Hypoalphalipoproteinemia, primary, 1. Last evaluated: 2017-04-27. Review status: criteria provided, single submitter. Criteria: ICSL Variant Classification Criteria 13 December 2019. Collection method: clinical testing. Allele origin: germline.
Comment: This variant was observed as part of a predisposition screen in an ostensibly healthy population. A literature search was performed for the gene, cDNA change, and amino acid change (where applicable). Publications were found based on this search. The evidence from the literature, in combination with allele frequency data from public databases where available, was sufficient to determine this variant is unlikely to cause disease. Therefore, this variant is classified as likely benign.

PreventionGenetics, part of Exact Sciences
Classification: Likely benign for ABCA1-related condition. Last evaluated: 2024-04-30. Review status: no assertion criteria provided. Collection method: clinical testing. Allele origin: germline. Not counted in ClinVar's aggregate classification.
Comment: This variant is classified as likely benign based on ACMG/AMP sequence variant interpretation guidelines (Richards et al. 2015 PMID: 25741868, with internal and published modifications).

Clinical Genetics DNA and cytogenetics Diagnostics Lab, Erasmus MC, Erasmus Medical Center
Classification: Uncertain significance. Review status: no assertion criteria provided. Collection method: clinical testing. Allele origin: germline. Affected: yes. Study: VKGL Data-share Consensus. Not counted in ClinVar's aggregate classification.

Clinical Genetics, Academic Medical Center
Classification: Uncertain significance. Review status: no assertion criteria provided. Collection method: clinical testing. Allele origin: germline. Affected: yes. Study: VKGL Data-share Consensus. Not counted in ClinVar's aggregate classification.

Literature cited by the submitters: PubMed 12204794 (cited by 4 submitters); PubMed 12763760 (cited by 3 submitters); PubMed 15297675 (cited by 4 submitters); PubMed 17303779 (cited by 3 submitters); PubMed 20849526 (cited by Mayo Clinic Laboratories, Mayo Clinic); PubMed 23770607 (cited by 4 submitters); PubMed 24497850 (cited by 3 submitters); PubMed 25215231 (cited by Mayo Clinic Laboratories, Mayo Clinic); PubMed 30795984 (cited by 3 submitters); PubMed 35460704 (cited by 3 submitters); PubMed 36555767 (cited by Mayo Clinic Laboratories, Mayo Clinic); PubMed 38052254 (cited by Mayo Clinic Laboratories, Mayo Clinic); PubMed 16704350 (cited by Ambry Genetics); PubMed 24456889 (cited by Ambry Genetics and Women's Health and Genetics/Laboratory Corporation of America, LabCorp); PubMed 30333156 (cited by Ambry Genetics and Women's Health and Genetics/Laboratory Corporation of America, LabCorp); PubMed 16429166 (cited by Women's Health and Genetics/Laboratory Corporation of America, LabCorp); PubMed 23139370 (cited by Women's Health and Genetics/Laboratory Corporation of America, LabCorp); PubMed 22923420 (cited by Women's Health and Genetics/Laboratory Corporation of America, LabCorp); PubMed 17113061 (cited by Women's Health and Genetics/Laboratory Corporation of America, LabCorp).